The following is an entry in ClinVar:

NM_153747.2(PIGC):c.247C>T (p.His83Tyr)

Genes: C1orf105 (chromosome 1 open reading frame 105; plus strand), PIGC (phosphatidylinositol glycan anchor biosynthesis class C; minus strand). Cytogenetic location: 1q24.3.
Variant type: single nucleotide variant.
Coding change: c.247C>T on transcript NM_153747.2 (MANE Select); coding-DNA position 247, C replaced by T.
Protein change: p.His83Tyr; replaces histidine 83 with tyrosine.
Molecular consequence: missense variant. On other transcripts: intron variant (1).
Genome position (GRCh38, 1-based): chr1:172,442,376, G>A on the plus strand (C>T on the coding strand, the complement: PIGC is on the minus strand). VCF-style: chr1-172442376-G-A. GRCh37 (hg19) VCF-style: chr1-172411516-G-A.
Other names: c.247C>T, p.His83Tyr (NM_002642.4); c.22-2697G>A (NM_139240.4); short protein forms H83Y.
Identifiers: ClinVar variation 2076874 (VCV002076874.3), dbSNP rs139238043, ClinGen allele CA1246000.

ClinVar aggregate classification (germline): Uncertain significance (1 of 4 stars; one submission).

Allele frequency attached by ClinVar (database versions not stated): 1000 Genomes Project 0.00020; 1000 Genomes Project 30x 0.00031; ESP Exome Variant Server 0.00046; TOPMed 0.00049; gnomAD 0.00056; ExAC 0.00077.
gnomAD v4.1: 1,039 of 1,612,942 alleles (0.064%); highest among the groups gnomAD compares: Non-Finnish European, 0.081%; no homozygotes.

Submission:

Labcorp Genetics (formerly Invitae), Labcorp
Classification: Uncertain significance. Last evaluated: 2024-11-11. Review status: criteria provided, single submitter. Criteria: Invitae Variant Classification Sherloc (09022015). Collection method: clinical testing. Allele origin: germline.
Comment: This sequence change replaces histidine, which is basic and polar, with tyrosine, which is neutral and polar, at codon 83 of the PIGC protein (p.His83Tyr). This variant is present in population databases (rs139238043, gnomAD 0.1%), and has an allele count higher than expected for a pathogenic variant. This variant has not been reported in the literature in individuals affected with PIGC-related conditions. ClinVar contains an entry for this variant (Variation ID: 2076874). Invitae Evidence Modeling of protein sequence and biophysical properties (such as structural, functional, and spatial information, amino acid conservation, physicochemical variation, residue mobility, and thermodynamic stability) indicates that this missense variant is not expected to disrupt PIGC protein function with a negative predictive value of 80%. In summary, the available evidence is currently insufficient to determine the role of this variant in disease. Therefore, it has been classified as a Variant of Uncertain Significance.